The following is an entry in ClinVar:

NM_002667.5(PLN):c.26G>A (p.Arg9His)

Genes: CEP85L (centrosomal protein 85L; minus strand), PLN (phospholamban; plus strand). Cytogenetic location: 6q22.31.
Variant type: single nucleotide variant.
Coding change: c.26G>A on transcript NM_002667.5 (MANE Select); coding-DNA position 26, G replaced by A.
Protein change: p.Arg9His; replaces arginine 9 with histidine.
Molecular consequence: missense variant. On other transcripts: intron variant (3).
Genome position (GRCh38, 1-based): chr6:118,558,947, G>A. VCF-style: chr6-118558947-G-A. GRCh37 (hg19) VCF-style: chr6-118880110-G-A.
Other names: p.R9H:CGC>CAC; c.1029+6582C>T (NM_001178035.2); c.1020+6582C>T (NM_001042475.3, NM_206921.3); short protein forms R9H.
Identifiers: ClinVar variation 202037 (VCV000202037.18), dbSNP rs754782171, ClinGen allele CA335497.

ClinVar aggregate classification (germline): Conflicting classifications of pathogenicity. Review status: criteria provided, conflicting classifications (1 of 4 stars). 7 submissions from 7 submitters: Likely pathogenic (3); Uncertain significance (2). 2 of the submissions do not count toward it. Last evaluated 2025-10-28.

Conditions:
Cardiovascular phenotype. Identifiers: MedGen CN230736.
Dilated cardiomyopathy 1P (CMD1P). Identifiers: Orphanet 154, MedGen C1835928, MONDO:0012362, OMIM 609909.

Allele frequency attached by ClinVar (database versions not stated): ExAC 0.00001; gnomAD exomes 0.00001; TOPMed 0.00002; gnomAD 0.00003.
gnomAD v4.1: 12 of 1,613,690 alleles (0.00074%); highest among the groups gnomAD compares: Admixed American, 0.0017%; no homozygotes.

Submissions (7):

Labcorp Genetics (formerly Invitae), Labcorp
Classification: Likely pathogenic for Dilated cardiomyopathy 1P. Last evaluated: 2025-10-28. Review status: criteria provided, single submitter. Criteria: Invitae Variant Classification Sherloc (09022015). Collection method: clinical testing. Allele origin: germline.
Comment: This sequence change replaces arginine, which is basic and polar, with histidine, which is basic and polar, at codon 9 of the PLN protein (p.Arg9His). This variant is present in population databases (rs754782171, gnomAD 0.005%). This missense change has been observed in individuals with dilated cardiomyopathy (PMID: 22137083, 30871747). ClinVar contains an entry for this variant (Variation ID: 202037). An algorithm developed to predict the effect of missense changes on protein structure and function (PolyPhen-2) suggests that this variant is likely to be disruptive. Experimental studies have shown that this missense change affects PLN function (PMID: 22707725, 25563649). This variant disrupts the p.Arg9 amino acid residue in PLN. Other variant(s) that disrupt this residue have been determined to be pathogenic (PMID: 12610310, 25928149, 26917049). This suggests that this residue is clinically significant, and that variants that disrupt this residue are likely to be disease-causing. In summary, the currently available evidence indicates that the variant is pathogenic, but additional data are needed to prove that conclusively. Therefore, this variant has been classified as Likely Pathogenic.

Dasa
Classification: Likely pathogenic for Dilated cardiomyopathy 1P. Last evaluated: 2025-10-04. Review status: criteria provided, single submitter. Criteria: DASA Assertion Criteria. Collection method: clinical testing. Allele origin: germline.
Comment: NM_002667.5(PLN):c.26G>A (p.Arg9His) is a missense variant that results in the substitution of arginine with histidine. The affected residue or protein region has prior evidence supporting clinical relevance. This variant has been reported in individuals with PLN-related disorders (PMID: 22137083). Functional evidence supports an impact on the gene or gene product (PMID: 22137083). Also, this variant is rare in population databases. Computational evidence supports a deleterious effect. Based on the currently available evidence, this variant is classified as likely pathogenic.

Ambry Genetics
Classification: Uncertain significance for Cardiovascular phenotype. Last evaluated: 2022-06-30. Review status: criteria provided, single submitter. Criteria: Ambry Variant Classification Scheme 2023. Collection method: clinical testing. Allele origin: germline.
Comment: The p.R9H variant (also known as c.26G>A), located in coding exon 1 of the PLN gene, results from a G to A substitution at nucleotide position 26. The arginine at codon 9 is replaced by histidine, an amino acid with highly similar properties. In addition, this variant has been reported in hypertrophic cardiomyopathy (HCM) and DCM cohorts with limited clinical details provided (Lopes LR et al. Heart, 2015 Feb;101:294-301; Sousa A et al. Rev Port Cardiol (Engl Ed), 2019 Feb;38:129-139). Functional studies have shown that this variant affects PKA-mediated phosphorylation; however, the clinical impact is uncertain (Ceholski DK et al. J Biol Chem, 2012 May;287:16521-9; Ceholski DK et al. J Biol Chem, 2012 Aug;287:26596-605). Two other alterations at the same codon, p.R9C (c.25C>T) and p.R9L (c.26G>T), have also been described in individuals with DCM (Schmitt JP et al. Science, 2003 Feb;299:1410-3; Medeiros A et al. Am Heart J, 2011 Dec;162:1088-1095.e1). This amino acid position is highly conserved in available vertebrate species. In addition, this alteration is predicted to be deleterious by in silico analysis. Since supporting evidence is limited at this time, the clinical significance of this alteration remains unclear.

GeneDx
Classification: Uncertain significance. Last evaluated: 2013-01-24. Review status: criteria provided, single submitter. Criteria: GeneDx Variant Classification (06012015). Collection method: clinical testing. Allele origin: germline. Affected: yes.
Comment: p.Arg9His (CGC>CAC): c.26 G>A in exon 2 of the PLN gene (NM_002667.3). The Arg9His mutation in the PLN gene has been reported in one individual with DCM and was absent from 500 ethnically-matched control samples in this study (Medeiros A et al., 2011; Ceholski D et al., 2012). In addition, Arg9His was not observed in approximately 6000 individuals of European and African American ancestry in the NHLBI Exome Sequencing Project, indicating it is not a common benign variant in these populations. Although Arg9His results in a conservative amino acid substitution one hydrophilic residue for another, this substitution occurs at a position that is highly conserved across species. Mutations affecting this same residue, (Arg9Cys, Arg9Leu), have been reported in association with DCM (Schmitt J et al., 2003; Ha K et al., 2011; Ceholski D et al., 2012; Medeiros A et al., 2011), further supporting the functional importance of this residue. In silico analysis predicts Arg9His is damaging to the protein structure/function. Functional studies showed Arg9His results in complete loss of phosphorylation compared to wild-type, leading to sarcoplasmic reticulum calcium pump (SERCA) dysregulation, and consequent cardiovascular remodeling leading to heart failure (Ceholski D et al., 2012). In summary, Arg9His in the PLN gene is interpreted as a disease-causing mutation. The variant is found in DCM panel(s).

Juno Genomics, Hangzhou Juno Genomics, Inc
Classification: Likely pathogenic for Dilated cardiomyopathy 1P. Review status: criteria provided, single submitter. Criteria: ACMG Guidelines, 2015. Collection method: clinical testing. Allele origin: germline.
Comment: Absent from controls (or at extremely low frequency if recessive) in Genome Aggregation Database.;The prevalence of the variant in affected individuals is significantly increased compared to the prevalence in controls.;Novel missense change at an amino acid residue where a different missense change determined to be pathogenic has been seen before.;Well-established in vitro or in vivo functional studies supportive of a damaging effect on the gene or gene product.

Genome Diagnostics Laboratory, University Medical Center Utrecht
Classification: Likely pathogenic. Review status: no assertion criteria provided. Collection method: clinical testing. Allele origin: germline. Affected: yes. Study: VKGL Data-share Consensus. Not counted in ClinVar's aggregate classification.

Joint Genome Diagnostic Labs from Nijmegen and Maastricht, Radboudumc and MUMC+
Classification: Pathogenic. Review status: no assertion criteria provided. Collection method: clinical testing. Allele origin: germline. Affected: yes. Study: VKGL Data-share Consensus. Not counted in ClinVar's aggregate classification.

Literature cited by the submitters: PubMed 22137083 (cited by 3 submitters); PubMed 30871747 (cited by 3 submitters); PubMed 22707725 (cited by 3 submitters); PubMed 25563649 (cited by Labcorp Genetics (formerly Invitae), Labcorp and Ambry Genetics); PubMed 12610310 (cited by Labcorp Genetics (formerly Invitae), Labcorp); PubMed 25928149 (cited by Labcorp Genetics (formerly Invitae), Labcorp); PubMed 26917049 (cited by Labcorp Genetics (formerly Invitae), Labcorp); PubMed 30794913 (cited by Dasa and Ambry Genetics); PubMed 35297759 (cited by Dasa and Ambry Genetics); PubMed 22427649 (cited by Ambry Genetics); PubMed 25351510 (cited by Ambry Genetics); PubMed 29501609 (cited by Ambry Genetics).